The following is an entry in ClinVar:

ClinVar aggregate classification (germline): Uncertain significance (1 of 4 stars; one submission).

Allele frequency attached by ClinVar (database versions not stated): ExAC 0.00003; ESP Exome Variant Server 0.00008; 1000 Genomes Project 30x 0.00016; 1000 Genomes Project 0.00020.
gnomAD v4.1: 12 of 1,613,190 alleles (0.00074%); highest among the groups gnomAD compares: South Asian, 0.0033%; no homozygotes.

Submission:

Labcorp Genetics (formerly Invitae), Labcorp
Classification: Uncertain significance. Last evaluated: 2021-08-24. Review status: criteria provided, single submitter. Criteria: Invitae Variant Classification Sherloc (09022015). Collection method: clinical testing. Allele origin: germline.
Comment: This sequence change replaces glycine with cysteine at codon 473 of the EYS protein (p.Gly473Cys). The glycine residue is weakly conserved and there is a large physicochemical difference between glycine and cysteine. This variant is present in population databases (rs145681073, ExAC 0.01%). This variant has not been reported in the literature in individuals affected with EYS-related conditions. Algorithms developed to predict the effect of missense changes on protein structure and function output the following: SIFT: "Tolerated"; PolyPhen-2: "Benign"; Align-GVGD: "Class C0". The cysteine amino acid residue is found in multiple mammalian species, which suggests that this missense change does not adversely affect protein function. In summary, the available evidence is currently insufficient to determine the role of this variant in disease. Therefore, it has been classified as a Variant of Uncertain Significance.

NM_001142800.2(EYS):c.1417G>T (p.Gly473Cys)

Gene: EYS (eyes shut homolog; minus strand). Cytogenetic location: 6q12.
Variant type: single nucleotide variant.
Coding change: c.1417G>T on transcript NM_001142800.2 (MANE Select); coding-DNA position 1417, G replaced by T.
Protein change: p.Gly473Cys; replaces glycine 473 with cysteine.
Molecular consequence: missense variant.
Genome position (GRCh38, 1-based): chr6:65,353,500, C>A on the plus strand (G>T on the coding strand, the complement: EYS is on the minus strand). VCF-style: chr6-65353500-C-A. GRCh37 (hg19) VCF-style: chr6-66063393-C-A.
Other names: c.1417G>T, p.Gly473Cys (NM_001142801.2, NM_001292009.2, NM_198283.2); short protein forms G473C.
Identifiers: ClinVar variation 2151810 (VCV002151810.1), dbSNP rs145681073, ClinGen allele CA3877763.